The following is an entry in ClinVar:

ClinVar aggregate classification (germline): Uncertain significance (1 of 4 stars; one submission).

Submission:

Labcorp Genetics (formerly Invitae), Labcorp
Classification: Uncertain significance. Last evaluated: 2023-04-09. Review status: criteria provided, single submitter. Criteria: Invitae Variant Classification Sherloc (09022015). Collection method: clinical testing. Allele origin: germline.
Comment: This sequence change replaces alanine, which is neutral and non-polar, with threonine, which is neutral and polar, at codon 154 of the LEMD3 protein (p.Ala154Thr). This variant is not present in population databases (gnomAD no frequency). In summary, the available evidence is currently insufficient to determine the role of this variant in disease. Therefore, it has been classified as a Variant of Uncertain Significance. Advanced modeling of protein sequence and biophysical properties (such as structural, functional, and spatial information, amino acid conservation, physicochemical variation, residue mobility, and thermodynamic stability) performed at Invitae indicates that this missense variant is not expected to disrupt LEMD3 protein function. This variant has not been reported in the literature in individuals affected with LEMD3-related conditions.

NM_014319.5(LEMD3):c.460G>A (p.Ala154Thr)

Genes: LEMD3 (LEM domain containing 3; plus strand), LOC130008224 (ATAC-STARR-seq lymphoblastoid silent region 4630; plus strand). Cytogenetic location: 12q14.3.
Variant type: single nucleotide variant.
Coding change: c.460G>A on transcript NM_014319.5 (MANE Select); coding-DNA position 460, G replaced by A.
Protein change: p.Ala154Thr; replaces alanine 154 with threonine.
Molecular consequence: missense variant.
Genome position (GRCh38, 1-based): chr12:65,170,056, G>A. VCF-style: chr12-65170056-G-A. GRCh37 (hg19) VCF-style: chr12-65563836-G-A.
Other names: c.460G>A, p.Ala154Thr (NM_001167614.2); short protein forms A154T.
Identifiers: ClinVar variation 3004251 (VCV003004251.3), dbSNP rs2498938513, ClinGen allele CA385673191.